The following is an entry in ClinVar:

ClinVar aggregate classification (germline): Conflicting classifications of pathogenicity. Review status: criteria provided, conflicting classifications (1 of 4 stars). 3 submissions from 3 submitters: Uncertain significance (1); Likely benign (1). 1 of the submissions does not count toward it. Last evaluated 2026-01-23.

Conditions:
Weill-Marchesani 4 syndrome, recessive. Also called: Weill-Marchesani syndrome 4. Identifiers: Orphanet 363992, MedGen C2750787, MONDO:0013176, OMIM 613195.
ADAMTS17-related disorder. Also called: ADAMTS17-related condition.

Allele frequency attached by ClinVar (database versions not stated): TOPMed 0.00008.
gnomAD v4.1: 81 of 1,614,128 alleles (0.005%); highest among the groups gnomAD compares: Non-Finnish European, 0.0064%; no homozygotes.

Submissions (3):

Labcorp Genetics (formerly Invitae), Labcorp
Classification: Likely benign. Last evaluated: 2026-01-23. Review status: criteria provided, single submitter. Criteria: Invitae Variant Classification Sherloc (09022015). Collection method: clinical testing. Allele origin: germline.

Illumina Laboratory Services, Illumina
Classification: Uncertain significance for Weill-Marchesani 4 syndrome, recessive. Last evaluated: 2018-01-13. Review status: criteria provided, single submitter. Criteria: ICSL Variant Classification Criteria 13 December 2019. Collection method: clinical testing. Allele origin: germline.

PreventionGenetics, part of Exact Sciences
Classification: Likely benign for ADAMTS17-related condition. Last evaluated: 2019-06-06. Review status: no assertion criteria provided. Collection method: clinical testing. Allele origin: germline. Not counted in ClinVar's aggregate classification.
Comment: This variant is classified as likely benign based on ACMG/AMP sequence variant interpretation guidelines (Richards et al. 2015 PMID: 25741868, with internal and published modifications).

NM_139057.4(ADAMTS17):c.3165G>C (p.Thr1055=)

Gene: ADAMTS17 (ADAM metallopeptidase with thrombospondin type 1 motif 17; minus strand). Cytogenetic location: 15q26.3.
Variant type: single nucleotide variant.
Coding change: c.3165G>C on transcript NM_139057.4 (MANE Select); coding-DNA position 3165, G replaced by C.
Protein change: p.Thr1055=; no amino-acid change (threonine 1055 retained).
Molecular consequence: synonymous variant.
Genome position (GRCh38, 1-based): chr15:99,974,525, C>G on the plus strand (G>C on the coding strand, the complement: ADAMTS17 is on the minus strand). VCF-style: chr15-99974525-C-G. GRCh37 (hg19) VCF-style: chr15-100514730-C-G.
Other names: c.3165G>C (NM_139057.3).
Identifiers: ClinVar variation 315250 (VCV000315250.14), dbSNP rs141373128, ClinGen allele CA7757443.